The following is an entry in ClinVar:

NM_015330.6(SPECC1L):c.2677T>C (p.Ser893Pro)

Genes: SPECC1L (sperm antigen with calponin homology and coiled-coil domains 1 like; plus strand), SPECC1L-ADORA2A (SPECC1L-ADORA2A readthrough (NMD candidate); plus strand). Cytogenetic location: 22q11.23.
Variant type: single nucleotide variant.
Coding change: c.2677T>C on transcript NM_015330.6 (MANE Select); coding-DNA position 2677, T replaced by C.
Protein change: p.Ser893Pro; replaces serine 893 with proline.
Molecular consequence: missense variant. On other transcripts: non-coding transcript variant (1), 5 prime UTR variant (1).
Genome position (GRCh38, 1-based): chr22:24,347,110, T>C. VCF-style: chr22-24347110-T-C. GRCh37 (hg19) VCF-style: chr22-24743078-T-C.
Other names: c.2677T>C, p.Ser893Pro (NM_001145468.4, NM_001254732.3); c.-126T>C (NM_001254733.2); short protein forms S893P.
Identifiers: ClinVar variation 3621353 (VCV003621353.2).

ClinVar aggregate classification (germline): Uncertain significance (1 of 4 stars; one submission).

gnomAD v4.1: 1 of 1,614,032 alleles (0.000062%); highest among the groups gnomAD compares: Admixed American, 0.0017%; no homozygotes.

Submission:

Labcorp Genetics (formerly Invitae), Labcorp
Classification: Uncertain significance. Last evaluated: 2024-06-06. Review status: criteria provided, single submitter. Criteria: Invitae Variant Classification Sherloc (09022015). Collection method: clinical testing. Allele origin: germline.
Comment: This sequence change replaces serine, which is neutral and polar, with proline, which is neutral and non-polar, at codon 893 of the SPECC1L protein (p.Ser893Pro). This variant is present in population databases (rs755796339, gnomAD 0.003%). This variant has not been reported in the literature in individuals affected with SPECC1L-related conditions. An algorithm developed to predict the effect of missense changes on protein structure and function (PolyPhen-2) suggests that this variant is likely to be disruptive. In summary, the available evidence is currently insufficient to determine the role of this variant in disease. Therefore, it has been classified as a Variant of Uncertain Significance.